The following is an entry in ClinVar:

ClinVar aggregate classification (germline): Uncertain significance (1 of 4 stars; one submission).

Conditions:
Bailey-Bloch congenital myopathy (CMYO13). Also called: Native American myopathy; STAC3 disorder; Congenital myopathy 13. Identifiers: Orphanet 168572, MedGen C1850625, MONDO:0009722, OMIM 255995.

Submission:

Labcorp Genetics (formerly Invitae), Labcorp
Classification: Uncertain significance for Bailey-Bloch congenital myopathy. Last evaluated: 2020-07-13. Review status: criteria provided, single submitter. Criteria: Invitae Variant Classification Sherloc (09022015). Collection method: clinical testing. Allele origin: germline.
Comment: In summary, the available evidence is currently insufficient to determine the role of this variant in disease. Therefore, it has been classified as a Variant of Uncertain Significance. Algorithms developed to predict the effect of missense changes on protein structure and function (SIFT, PolyPhen-2, Align-GVGD) all suggest that this variant is likely to be tolerated, but these predictions have not been confirmed by published functional studies and their clinical significance is uncertain. This variant has not been reported in the literature in individuals with STAC3-related conditions. This variant is not present in population databases (ExAC no frequency). This sequence change replaces asparagine with aspartic acid at codon 49 of the STAC3 protein (p.Asn49Asp). The asparagine residue is moderately conserved and there is a small physicochemical difference between asparagine and aspartic acid.

NM_145064.3(STAC3):c.145A>G (p.Asn49Asp)

Gene: STAC3 (SH3 and cysteine rich domain 3; minus strand). Cytogenetic location: 12q13.3.
Variant type: single nucleotide variant.
Coding change: c.145A>G on transcript NM_145064.3 (MANE Select); coding-DNA position 145, A replaced by G.
Protein change: p.Asn49Asp; replaces asparagine 49 with aspartic acid.
Molecular consequence: missense variant. On other transcripts: intron variant (1).
Genome position (GRCh38, 1-based): chr12:57,249,230, T>C on the plus strand (A>G on the coding strand, the complement: STAC3 is on the minus strand). VCF-style: chr12-57249230-T-C. GRCh37 (hg19) VCF-style: chr12-57643013-T-C.
Other names: c.28A>G, p.Asn10Asp (NM_001286256.2); c.-126-1032A>G (NM_001286257.2); short protein forms N10D, N49D.
Identifiers: ClinVar variation 1007513 (VCV001007513.9), dbSNP rs2037840980, ClinGen allele CA385417719.